The following is an entry in ClinVar:

NC_012920.1(MT-ND1):m.3865A>G

Gene: MT-ND1 (mitochondrially encoded NADH dehydrogenase 1; plus strand).
Variant type: single nucleotide variant.
Genome position: chrM-3865-A-G.
Identifiers: ClinVar variation 692403 (VCV000692403.2), dbSNP rs878989562, ClinGen allele CA337096705.
Genomic context (GRCh38, chrMT:3,865, plus strand): 5'-ACAACACAAGAACACCTCTGATTACTCCTGCCATCATGACCCTTGGCCATAATATGATTT[A>G]TCTCCACACTAGCAGAGACCAACCGAACCCCCTTCGACCTTGCCGAAGGGGAGTCCGAAC-3'

ClinVar aggregate classification (germline): Benign. Review status: criteria provided, multiple submitters, no conflicts (2 of 4 stars). 2 submissions from 2 submitters: Benign (2). Last evaluated 2019-10-17.

Conditions:
Leigh syndrome (NULS). Also called: Leigh's necrotizing encephalopathy; Leigh's disease; Leigh Syndrome (mtDNA deletion); Leigh Disease; Subacute necrotizing encephalopathy; Necrotizing encephalopathy infantile subacute of Leigh. Identifiers: Orphanet 506, MedGen C2931891, MONDO:0009723, OMIM 256000.

Submissions (2):

Wong Mito Lab, Molecular and Human Genetics, Baylor College of Medicine
Classification: Benign for Leigh syndrome. Last evaluated: 2019-10-17. Review status: criteria provided, single submitter. Criteria: Modified ACMG Guidelines (Unpublished). Collection method: clinical testing. Allele origin: germline.
Comment: The NC_012920.1:m.3865A>G (YP_003024026.1:p.Ile187Val) variant in MTND1 gene is interpretated to be a Benign variant based on the modified ACMG guidelines (unpublished). This variant meets the following evidence codes: BS1, BS2, BP4

Breakthrough Genomics
Classification: Benign. Review status: criteria provided, single submitter. Criteria: ACMG Guidelines, 2015. Collection method: not provided. Allele origin: germline. Inheritance: Unknown mechanism. Affected: yes.